The following is an entry in ClinVar:

NM_001159699.2(FHL1):c.200C>T (p.Ser67Phe)

Gene: FHL1 (four and a half LIM domains 1; plus strand). Cytogenetic location: Xq26.3.
Variant type: single nucleotide variant.
Coding change: c.200C>T on transcript NM_001159699.2 (MANE Select); coding-DNA position 200, C replaced by T.
Protein change: p.Ser67Phe; replaces serine 67 with phenylalanine.
Molecular consequence: missense variant. On other transcripts: non-coding transcript variant (1).
Genome position (GRCh38, 1-based): chrX:136,206,584, C>T. VCF-style: chrX-136206584-C-T. GRCh37 (hg19) VCF-style: chrX-135288743-C-T.
Other names: c.152C>T, p.Ser51Phe (NM_001159700.2, NM_001159702.3, NM_001159703.2 and 9 more transcripts); c.239C>T, p.Ser80Phe (NM_001159701.2); c.200C>T, p.Ser67Phe (NM_001330659.2); short protein forms S51F, S80F, S67F.
Identifiers: ClinVar variation 1470630 (VCV001470630.8), dbSNP rs1327221666, ClinGen allele CA414607853.

ClinVar aggregate classification (germline): Uncertain significance (1 of 4 stars; one submission).

Conditions:
X-linked myopathy with postural muscle atrophy. Also called: FHL1-Related Emery-Dreifuss Muscular Dystrophy, X-Linked. Identifiers: Orphanet 178461, MedGen C2678055, MONDO:0010401, OMIM 300696.

Submission:

Labcorp Genetics (formerly Invitae), Labcorp
Classification: Uncertain significance for X-linked myopathy with postural muscle atrophy. Last evaluated: 2021-03-07. Review status: criteria provided, single submitter. Criteria: Invitae Variant Classification Sherloc (09022015). Collection method: clinical testing. Allele origin: germline.
Comment: In summary, the available evidence is currently insufficient to determine the role of this variant in disease. Therefore, it has been classified as a Variant of Uncertain Significance. This sequence change replaces serine with phenylalanine at codon 51 of the FHL1 protein (p.Ser51Phe). The serine residue is highly conserved and there is a large physicochemical difference between serine and phenylalanine. This variant is not present in population databases (ExAC no frequency). This variant has not been reported in the literature in individuals with FHL1-related conditions. Algorithms developed to predict the effect of missense changes on protein structure and function are either unavailable or do not agree on the potential impact of this missense change (SIFT: "Deleterious"; PolyPhen-2: "Possibly Damaging"; Align-GVGD: "Class C15").